The following is an entry in ClinVar:

ClinVar aggregate classification (germline): Uncertain significance (1 of 4 stars; one submission).

Submission:

Ambry Genetics
Classification: Uncertain significance. Last evaluated: 2024-02-12. Review status: criteria provided, single submitter. Criteria: Ambry Variant Classification Scheme 2023. Collection method: clinical testing. Allele origin: germline.
Comment: The p.T1415I variant (also known as c.4244C>T), located in coding exon 4 of the ALPK2 gene, results from a C to T substitution at nucleotide position 4244. The threonine at codon 1415 is replaced by isoleucine, an amino acid with similar properties. This amino acid position is conserved. In addition, this alteration is predicted to be tolerated by in silico analysis. Based on the available evidence, the clinical significance of this alteration remains unclear.

NM_052947.4(ALPK2):c.4244C>T (p.Thr1415Ile)

Genes: ALPK2 (alpha kinase 2; minus strand), LOC126862764 (BRD4-independent group 4 enhancer GRCh37_chr18:56202574-56203773; plus strand). Cytogenetic location: 18q21.31.
Variant type: single nucleotide variant.
Coding change: c.4244C>T on transcript NM_052947.4 (MANE Select); coding-DNA position 4244, C replaced by T.
Protein change: p.Thr1415Ile; replaces threonine 1415 with isoleucine.
Molecular consequence: missense variant.
Genome position (GRCh38, 1-based): chr18:58,535,943, G>A on the plus strand (C>T on the coding strand, the complement: ALPK2 is on the minus strand). VCF-style: chr18-58535943-G-A. GRCh37 (hg19) VCF-style: chr18-56203175-G-A.
Other names: short protein forms T1415I.
Identifiers: ClinVar variation 3228727 (VCV003228727.1), dbSNP rs2518875141, ClinGen allele CA402563519.
Genomic context (GRCh38, chr18:58,535,943, plus strand): 5'-TGACCCCCTTCTCTGGCGCCCTGTGGTGTGGTTTCAGAGGGCTCTGGTTTTCCAGCCCTG[G>A]TGTACTCTATCACACTTATCTCATCAATGGGATCTACAGAGGACTCTAGGATTTTAGGGC-3'
Protein context (NP_443179.3, residues 1405-1425): PIDEISVIEY[Thr1415Ile]RAGKPEPSET